The following is an entry in ClinVar:

NM_005609.4(PYGM):c.2032G>A (p.Gly678Ser)

Gene: PYGM (glycogen phosphorylase, muscle associated; minus strand). Cytogenetic location: 11q13.1.
Variant type: single nucleotide variant.
Coding change: c.2032G>A on transcript NM_005609.4 (MANE Select); coding-DNA position 2032, G replaced by A.
Protein change: p.Gly678Ser; replaces glycine 678 with serine.
Molecular consequence: missense variant.
Genome position (GRCh38, 1-based): chr11:64,750,521, C>T on the plus strand (G>A on the coding strand, the complement: PYGM is on the minus strand). VCF-style: chr11-64750521-C-T. GRCh37 (hg19) VCF-style: chr11-64517993-C-T.
Other names: c.1768G>A, p.Gly590Ser (NM_001164716.1); short protein forms G590S, G678S.
Identifiers: ClinVar variation 880155 (VCV000880155.8), dbSNP rs755716626, ClinGen allele CA6079653.

ClinVar aggregate classification (germline): Uncertain significance. Review status: criteria provided, multiple submitters, no conflicts (2 of 4 stars). 4 submissions from 4 submitters: Uncertain significance (4). Last evaluated 2025-01-15.

Conditions:
Inborn genetic diseases. Identifiers: MedGen C0950123, MeSH D030342.
Glycogen storage disease, type V (GSD5). Also called: PYGM DEFICIENCY; McArdle type glycogen storage disease; MCARDLE DISEASE; MUSCLE GLYCOGEN PHOSPHORYLASE DEFICIENCY; MYOPHOSPHORYLASE DEFICIENCY. Identifiers: Orphanet 368, MedGen C0017924, MONDO:0009293, OMIM 232600.

Allele frequency attached by ClinVar (database versions not stated): gnomAD exomes below 0.00001 and 0.00001; ExAC 0.00001; gnomAD 0.00002; TOPMed 0.00002.
gnomAD v4.1: 17 of 1,614,072 alleles (0.0011%); highest among the groups gnomAD compares: East Asian, 0.011%; no homozygotes.

Submissions (4):

Ambry Genetics
Classification: Uncertain significance for Inborn genetic diseases. Last evaluated: 2025-01-15. Review status: criteria provided, single submitter. Criteria: Ambry Variant Classification Scheme 2023. Collection method: clinical testing. Allele origin: germline.

Labcorp Genetics (formerly Invitae), Labcorp
Classification: Uncertain significance for Glycogen storage disease, type V. Last evaluated: 2022-04-29. Review status: criteria provided, single submitter. Criteria: Invitae Variant Classification Sherloc (09022015). Collection method: clinical testing. Allele origin: germline.
Comment: This sequence change replaces glycine, which is neutral and non-polar, with serine, which is neutral and polar, at codon 678 of the PYGM protein (p.Gly678Ser). This variant is present in population databases (rs755716626, gnomAD 0.0009%). This variant has not been reported in the literature in individuals affected with PYGM-related conditions. ClinVar contains an entry for this variant (Variation ID: 880155). Algorithms developed to predict the effect of missense changes on protein structure and function are either unavailable or do not agree on the potential impact of this missense change (SIFT: "Not Available"; PolyPhen-2: "Probably Damaging"; Align-GVGD: "Not Available"). In summary, the available evidence is currently insufficient to determine the role of this variant in disease. Therefore, it has been classified as a Variant of Uncertain Significance.

Illumina Laboratory Services, Illumina
Classification: Uncertain significance for Glycogen storage disease, type V. Last evaluated: 2018-01-13. Review status: criteria provided, single submitter. Criteria: ICSL Variant Classification Criteria 13 December 2019. Collection method: clinical testing. Allele origin: germline.

Juno Genomics, Hangzhou Juno Genomics, Inc
Classification: Uncertain significance for Glycogen storage disease, type V. Review status: criteria provided, single submitter. Criteria: ACMG Guidelines, 2015. Collection method: clinical testing. Allele origin: germline.
Comment: Absent from controls (or at extremely low frequency if recessive) in Genome Aggregation Database.;Multiple lines of computational evidence support a deleterious effect on the gene or gene product.